The following is an entry in ClinVar:

NM_001378204.1(CCDC18):c.2689A>G (p.Asn897Asp)

Gene: CCDC18 (coiled-coil domain containing 18; plus strand). Cytogenetic location: 1p22.1.
Variant type: single nucleotide variant.
Coding change: c.2689A>G on transcript NM_001378204.1 (MANE Select); coding-DNA position 2689, A replaced by G.
Protein change: p.Asn897Asp; replaces asparagine 897 with aspartic acid.
Molecular consequence: missense variant.
Genome position (GRCh38, 1-based): chr1:93,239,395, A>G. VCF-style: chr1-93239395-A-G. GRCh37 (hg19) VCF-style: chr1-93704952-A-G.
Other names: c.2686A>G, p.Asn896Asp (NM_001306076.1); c.2689A>G, p.Asn897Asp (NM_206886.4); short protein forms N896D, N897D.
Identifiers: ClinVar variation 3037857 (VCV003037857.2), dbSNP rs41292127, ClinGen allele CA954390.

ClinVar aggregate classification (germline): Benign (0 of 4 stars; one submission).

Conditions:
CCDC18-related disorder. Also called: CCDC18-related condition.

Allele frequency attached by ClinVar (database versions not stated): 1000 Genomes Project 30x 0.00422; 1000 Genomes Project 0.00479; TOPMed 0.01284; ExAC 0.01471; gnomAD 0.01476; ESP Exome Variant Server 0.01777; gnomAD exomes 0.02064.
gnomAD v4.1: 32,301 of 1,613,422 alleles (2%); highest among the groups gnomAD compares: Non-Finnish European, 2.3%; 361 homozygotes.

Submission:

PreventionGenetics, part of Exact Sciences
Classification: Benign for CCDC18-related condition. Last evaluated: 2019-09-17. Review status: no assertion criteria provided. Collection method: clinical testing. Allele origin: germline.
Comment: This variant is classified as benign based on ACMG/AMP sequence variant interpretation guidelines (Richards et al. 2015 PMID: 25741868, with internal and published modifications).